The following is an entry in ClinVar:

ClinVar aggregate classification (germline): Uncertain significance (1 of 4 stars; one submission).

Conditions:
Primary dilated cardiomyopathy (DCM). Also called: Dilated Cardiomyopathy. Identifiers: Orphanet 217604, MedGen C0007193, MeSH D002311, MONDO:0005021, HP:0001644. Inheritance: Various modes of inheritance.

Submission:

Labcorp Genetics (formerly Invitae), Labcorp
Classification: Uncertain significance for Primary dilated cardiomyopathy. Last evaluated: 2018-10-07. Review status: criteria provided, single submitter. Criteria: Invitae Variant Classification Sherloc (09022015). Collection method: clinical testing. Allele origin: germline.
Comment: In summary, the available evidence is currently insufficient to determine the role of this variant in disease. Therefore, it has been classified as a Variant of Uncertain Significance. This sequence change replaces glutamic acid with lysine at codon 184 of the FHL2 protein (p.Glu184Lys). The glutamic acid residue is highly conserved and there is a small physicochemical difference between glutamic acid and lysine. Algorithms developed to predict the effect of missense changes on protein structure and function (SIFT, PolyPhen-2, Align-GVGD) all suggest that this variant is likely to be disruptive, but these predictions have not been confirmed by published functional studies and their clinical significance is uncertain. This variant has not been reported in the literature in individuals with FHL2-related disease. This variant is not present in population databases (ExAC no frequency).

NM_001318895.3(FHL2):c.550G>A (p.Glu184Lys)

Genes: C2orf49 (chromosome 2 open reading frame 49; plus strand), FHL2 (four and a half LIM domains 2; minus strand). Cytogenetic location: 2q12.2.
Variant type: single nucleotide variant.
Coding change: c.550G>A on transcript NM_001318895.3 (MANE Select); coding-DNA position 550, G replaced by A.
Protein change: p.Glu184Lys; replaces glutamic acid 184 with lysine.
Molecular consequence: missense variant.
Genome position (GRCh38, 1-based): chr2:105,363,423, C>T on the plus strand (G>A on the coding strand, the complement: FHL2 is on the minus strand). VCF-style: chr2-105363423-C-T. GRCh37 (hg19) VCF-style: chr2-105979880-C-T.
Other names: c.550G>A, p.Glu184Lys (NM_001039492.3, NM_001318894.1, NM_001318896.2 and 4 more transcripts); c.208G>A, p.Glu70Lys (NM_001318897.2, NM_001318898.2); c.226G>A, p.Glu76Lys (NM_001318899.2); short protein forms E184K, E76K, E70K.
Identifiers: ClinVar variation 643129 (VCV000643129.6), dbSNP rs1573274516, ClinGen allele CA347998104.